The following is an entry in ClinVar:

NM_006766.5(KAT6A):c.1271G>T (p.Arg424Leu)

Gene: KAT6A (lysine acetyltransferase 6A; minus strand). Cytogenetic location: 8p11.21.
Variant type: single nucleotide variant.
Coding change: c.1271G>T on transcript NM_006766.5 (MANE Select); coding-DNA position 1271, G replaced by T.
Protein change: p.Arg424Leu; replaces arginine 424 with leucine.
Molecular consequence: missense variant.
Genome position (GRCh38, 1-based): chr8:41,977,100, C>A on the plus strand (G>T on the coding strand, the complement: KAT6A is on the minus strand). VCF-style: chr8-41977100-C-A. GRCh37 (hg19) VCF-style: chr8-41834618-C-A.
Other names: c.1271G>T, p.Arg424Leu (NM_001305878.2); short protein forms R424L.
Identifiers: ClinVar variation 3340549 (VCV003340549.1).

ClinVar aggregate classification (germline): Uncertain significance (1 of 4 stars; one submission).

Submission:

GeneDx
Classification: Uncertain significance. Last evaluated: 2024-03-12. Review status: criteria provided, single submitter. Criteria: GeneDx Variant Classification Process June 2021. Collection method: clinical testing. Allele origin: germline. Affected: yes.
Comment: Has not been previously published as pathogenic or benign to our knowledge; Not observed at significant frequency in large population cohorts (gnomAD); In silico analysis supports that this missense variant has a deleterious effect on protein structure/function